The following is an entry in ClinVar:

ClinVar aggregate classification (germline): Pathogenic (1 of 4 stars; one submission).

Conditions:
Walker-Warburg congenital muscular dystrophy. Also called: Muscular dystrophy-dystroglycanopathy, type A; Walker-Warburg syndrome. Identifiers: Orphanet 899, MedGen C0265221, MONDO:0000171.
Muscular dystrophy-dystroglycanopathy (congenital with impaired intellectual development), type B, 1. Also called: MUSCULAR DYSTROPHY, CONGENITAL, POMT1-RELATED; Muscular dystrophy-dystroglycanopathy (congenital with intellectual disability), type B1. Identifiers: MedGen C5436962, MONDO:0013159, OMIM 613155.
Autosomal recessive limb-girdle muscular dystrophy type 2K. Also called: MUSCULAR DYSTROPHY-DYSTROGLYCANOPATHY (LIMB-GIRDLE), TYPE C, 1; MUSCULAR DYSTROPHY, LIMB-GIRDLE, TYPE 2K. Identifiers: Orphanet 86812, MedGen C1836373, MONDO:0012248, OMIM 609308.

Allele frequency attached by ClinVar (database versions not stated): gnomAD 0.00001.
gnomAD v4.1: 1 of 1,613,594 alleles (0.000062%); highest among the groups gnomAD compares: South Asian, 0.0011%; no homozygotes.

Submission:

Labcorp Genetics (formerly Invitae), Labcorp
Classification: Pathogenic for Muscular dystrophy-dystroglycanopathy (congenital with impaired intellectual development), type B, 1; Walker-Warburg congenital muscular dystrophy; Autosomal recessive limb-girdle muscular dystrophy type 2K. Last evaluated: 2023-02-07. Review status: criteria provided, single submitter. Criteria: Invitae Variant Classification Sherloc (09022015). Collection method: clinical testing. Allele origin: germline.
Comment: For these reasons, this variant has been classified as Pathogenic. This variant has not been reported in the literature in individuals affected with POMT1-related conditions. This variant is not present in population databases (gnomAD no frequency). This sequence change creates a premature translational stop signal (p.Trp508*) in the POMT1 gene. It is expected to result in an absent or disrupted protein product. Loss-of-function variants in POMT1 are known to be pathogenic (PMID: 12369018, 15637732, 16575835).

Literature cited by the submitters: PubMed 12369018; PubMed 15637732; PubMed 16575835.

NM_001077365.2(POMT1):c.1458G>A (p.Trp486Ter)

Gene: POMT1 (protein O-mannosyltransferase 1; plus strand). Cytogenetic location: 9q34.13.
Variant type: single nucleotide variant.
Coding change: c.1458G>A on transcript NM_001077365.2 (MANE Select); coding-DNA position 1458, G replaced by A.
Protein change: p.Trp486Ter; replaces tryptophan 486 with a stop codon.
Molecular consequence: nonsense. On other transcripts: non-coding transcript variant (10), intron variant (1).
Genome position (GRCh38, 1-based): chr9:131,518,929, G>A. VCF-style: chr9-131518929-G-A. GRCh37 (hg19) VCF-style: chr9-134394316-G-A.
Other names: c.1296G>A, p.Trp432Ter (NM_001077366.2, NM_001353194.2); c.1458G>A, p.Trp486Ter (NM_001136113.2); c.1107G>A, p.Trp369Ter (NM_001136114.2, NM_001353195.2, NM_001374691.1 and 2 more transcripts); c.1524G>A, p.Trp508Ter (NM_001353193.2, NM_007171.4); c.1368G>A, p.Trp456Ter (NM_001353196.2); c.1362G>A, p.Trp454Ter (NM_001353197.2, NM_001353198.2); c.1173G>A, p.Trp391Ter (NM_001353199.2); c.1002G>A, p.Trp334Ter (NM_001353200.2); and 4 more; short protein forms W508*, W356*, W391*, W456*, W482*, W109*, W486*, W334*.
Identifiers: ClinVar variation 2943816 (VCV002943816.3), dbSNP rs1949320441, ClinGen allele CA375312055.